The following is an entry in ClinVar:

ClinVar aggregate classification (germline): Pathogenic. Review status: criteria provided, multiple submitters, no conflicts (2 of 4 stars). 4 submissions from 4 submitters: Pathogenic (4). Last evaluated 2025-11-27.

Conditions:
Mitochondrial complex II deficiency, nuclear type 1. Also called: SUCCINATE CoQ REDUCTASE DEFICIENCY. Identifiers: Orphanet 3208, MedGen C5700310, MONDO:0100294, OMIM 252011.
Pheochromocytoma/paraganglioma syndrome 5. Also called: SDHA-Related Hereditary Paraganglioma-Pheochromocytoma Syndrome; Paragangliomas 5. Identifiers: Orphanet 29072, MedGen C3279992, MONDO:0013602, OMIM 614165.
Hereditary cancer-predisposing syndrome. Also called: Neoplastic Syndromes, Hereditary; Hereditary Cancer Syndrome; Tumor predisposition; Hereditary neoplastic syndrome. Identifiers: Orphanet 140162, MedGen C0027672, MeSH D009386, MONDO:0015356.
Dilated cardiomyopathy 1GG (CMD1GG). Identifiers: Orphanet 154, MedGen C3150898, MONDO:0013339, OMIM 613642.

Allele frequency attached by ClinVar (database versions not stated): gnomAD 0.00001.
gnomAD v4.1: 5 of 1,614,030 alleles (0.00031%); highest among the groups gnomAD compares: African/African-American, 0.0013%; no homozygotes.

Submissions (4):

Labcorp Genetics (formerly Invitae), Labcorp
Classification: Pathogenic for Pheochromocytoma/paraganglioma syndrome 5; Mitochondrial complex II deficiency, nuclear type 1. Last evaluated: 2025-11-27. Review status: criteria provided, single submitter. Criteria: Invitae Variant Classification Sherloc (09022015). Collection method: clinical testing. Allele origin: germline.
Comment: This sequence change creates a premature translational stop signal (p.Arg329*) in the SDHA gene. It is expected to result in an absent or disrupted protein product. Loss-of-function variants in SDHA are known to be pathogenic (PMID: 22974104, 24781757). This variant is not present in population databases (gnomAD no frequency). This variant has not been reported in the literature in individuals affected with SDHA-related conditions. ClinVar contains an entry for this variant (Variation ID: 412328). For these reasons, this variant has been classified as Pathogenic.

Baylor Genetics
Classification: Pathogenic for Dilated cardiomyopathy 1GG. Last evaluated: 2024-02-09. Review status: criteria provided, single submitter. Criteria: ACMG Guidelines, 2015. Collection method: clinical testing. Allele origin: unknown.

Myriad Genetics, Inc.
Classification: Pathogenic for Pheochromocytoma/paraganglioma syndrome 5. Last evaluated: 2024-02-08. Review status: criteria provided, single submitter. Criteria: Myriad Autosomal Dominant, Autosomal Recessive and X-Linked Classification Criteria (2023). Collection method: clinical testing. Allele origin: unknown.
Comment: This variant is considered pathogenic. This variant creates a termination codon and is predicted to result in premature protein truncation.

Ambry Genetics
Classification: Pathogenic for Hereditary cancer-predisposing syndrome. Last evaluated: 2022-09-26. Review status: criteria provided, single submitter. Criteria: Ambry Variant Classification Scheme 2023. Collection method: clinical testing. Allele origin: germline.
Comment: The p.R329* pathogenic mutation (also known as c.985C>T), located in coding exon 8 of the SDHA gene, results from a C to T substitution at nucleotide position 985. This changes the amino acid from an arginine to a stop codon within coding exon 8. This alteration is expected to result in loss of function by premature protein truncation or nonsense-mediated mRNA decay. As such, this alteration is interpreted as a disease-causing mutation.

Literature cited by the submitters: PubMed 22974104 (cited by Labcorp Genetics (formerly Invitae), Labcorp); PubMed 24781757 (cited by Labcorp Genetics (formerly Invitae), Labcorp).

NM_004168.4(SDHA):c.985C>T (p.Arg329Ter)

Gene: SDHA (succinate dehydrogenase complex flavoprotein subunit A; plus strand). Cytogenetic location: 5p15.33.
Variant type: single nucleotide variant.
Coding change: c.985C>T on transcript NM_004168.4 (MANE Select); coding-DNA position 985, C replaced by T.
Protein change: p.Arg329Ter; replaces arginine 329 with a stop codon.
Molecular consequence: nonsense.
Genome position (GRCh38, 1-based): chr5:233,566, C>T. VCF-style: chr5-233566-C-T. GRCh37 (hg19) VCF-style: chr5-233681-C-T.
Other names: c.841C>T, p.Arg281Ter (NM_001294332.2); c.985C>T, p.Arg329Ter (NM_001330758.2); short protein forms R329*, R281*.
Identifiers: ClinVar variation 412328 (VCV000412328.14), dbSNP rs771328239, ClinGen allele CA16611943.